The following is an entry in ClinVar:

NM_001267550.2(TTN):c.75479_75482del (p.Ile25160fs)

Genes: TTN (titin; minus strand), TTN-AS1 (TTN antisense RNA 1; plus strand). Cytogenetic location: 2q31.2.
Variant type: Deletion.
Coding change: c.75479_75482del on transcript NM_001267550.2 (MANE Select); coding-DNA positions 75479 to 75482, 4 bases deleted (TAAA; older notation c.75479_75482delTAAA).
Protein change: p.Ile25160fs; shifts the reading frame from isoleucine 25160.
Molecular consequence: frameshift variant.
Genome position (GRCh38, 1-based): chr2:178,570,650-178,570,653, TTTA deleted on the plus strand (TAAA on the coding strand, the reverse complement: TTN is on the minus strand); deleting any 4 consecutive bases within chr2:178,570,650-178,570,656 gives the same sequence; the c. name uses the placement nearest the transcript's 3' end. VCF-style (leftmost placement, unchanged base first): chr2-178570649-CTTTA-C. GRCh37 (hg19) VCF-style: chr2-179435376-CTTTA-C.
Other names: c.70556_70559del, p.Ile23519fs (NM_001256850.1); c.48284_48287del, p.Ile16095fs (NM_003319.4); c.67775_67778del, p.Ile22592fs (NM_133378.4); c.48659_48662del, p.Ile16220fs (NM_133432.3); c.48860_48863del, p.Ile16287fs (NM_133437.4); c.48284_48287delTAAA (NM_003319.4); short protein forms I25160fs, I16287fs, I16095fs, I23519fs, I16220fs, I22592fs.
Identifiers: ClinVar variation 519189 (VCV000519189.5), dbSNP rs1553603364, ClinGen allele CA658796031.

ClinVar aggregate classification (germline): Likely pathogenic (1 of 4 stars; one submission).

Conditions:
Cardiovascular phenotype. Identifiers: MedGen CN230736.

Submission:

Ambry Genetics
Classification: Likely pathogenic for Cardiovascular phenotype. Last evaluated: 2017-11-15. Review status: criteria provided, single submitter. Criteria: Ambry Variant Classification Scheme 2023. Collection method: clinical testing. Allele origin: germline.
Comment: The c.48284_48287delTAAA variant, located in coding exon 153 of the TTN gene, results from a deletion of 4 nucleotides at nucleotide positions 48284 to 48287, causing a translational frameshift with a predicted alternate stop codon (p.I16095Rfs*11). This exon is located in the A-band region of the N2-B isoform of the titin protein and is constitutively expressed in TTN transcripts (percent spliced in or PSI 100%). While truncating variants in TTN are present in 1-3% of the general population, truncating variants in the A-band are the most common cause of dilated cardiomyopathy (DCM) (Herman DS et al. N. Engl. J. Med. 2012 Feb;366:619-28; Roberts AM et al. Sci Transl Med. 2015 Jan;7:270ra6). TTN truncating variants encoded in constitutive exons (PSI >90%) have been found to be significantly associated with DCM regardless of their position in titin (Schafer S et al. Nat. Genet. 2017 Jan;49:46-53). This alteration is expected to result in loss of function by premature protein truncation or nonsense-mediated mRNA decay. As such, this alteration is classified as likely pathogenic.